The following is an entry in ClinVar:

NM_001211.6(BUB1B):c.839A>T (p.Asp280Val)

Gene: BUB1B (BUB1 mitotic checkpoint serine/threonine kinase B; plus strand). Cytogenetic location: 15q15.1.
Variant type: single nucleotide variant.
Coding change: c.839A>T on transcript NM_001211.6 (MANE Select); coding-DNA position 839, A replaced by T.
Protein change: p.Asp280Val; replaces aspartic acid 280 with valine.
Molecular consequence: missense variant.
Genome position (GRCh38, 1-based): chr15:40,185,252, A>T. VCF-style: chr15-40185252-A-T. GRCh37 (hg19) VCF-style: chr15-40477453-A-T.
Other names: short protein forms D280V.
Identifiers: ClinVar variation 1005977 (VCV001005977.12), dbSNP rs2037344963, ClinGen allele CA391684298.

ClinVar aggregate classification (germline): Uncertain significance. Review status: criteria provided, multiple submitters, no conflicts (2 of 4 stars). 2 submissions from 2 submitters: Uncertain significance (2). Last evaluated 2025-05-27.

Conditions:
Inborn genetic diseases. Identifiers: MedGen C0950123, MeSH D030342.
Mosaic variegated aneuploidy syndrome 1 (MVA1). Also called: Warburton-Anyane-Yeboa syndrome. Identifiers: Orphanet 1052, MedGen C1850343, MONDO:0009759, OMIM 257300.

Allele frequency attached by ClinVar (database versions not stated): gnomAD exomes below 0.00001.
gnomAD v4.1: 1 of 1,614,052 alleles (0.000062%); highest among the groups gnomAD compares: African/African-American, 0.0013%; no homozygotes.

Submissions (2):

Labcorp Genetics (formerly Invitae), Labcorp
Classification: Uncertain significance for Mosaic variegated aneuploidy syndrome 1. Last evaluated: 2025-05-27. Review status: criteria provided, single submitter. Criteria: Invitae Variant Classification Sherloc (09022015). Collection method: clinical testing. Allele origin: germline.
Comment: This sequence change replaces aspartic acid, which is acidic and polar, with valine, which is neutral and non-polar, at codon 280 of the BUB1B protein (p.Asp280Val). This variant is not present in population databases (gnomAD no frequency). This variant has not been reported in the literature in individuals affected with BUB1B-related conditions. ClinVar contains an entry for this variant (Variation ID: 1005977). An algorithm developed to predict the effect of missense changes on protein structure and function (PolyPhen-2) suggests that this variant is likely to be tolerated. In summary, the available evidence is currently insufficient to determine the role of this variant in disease. Therefore, it has been classified as a Variant of Uncertain Significance.

Ambry Genetics
Classification: Uncertain significance for Inborn genetic diseases. Last evaluated: 2022-03-16. Review status: criteria provided, single submitter. Criteria: Ambry Variant Classification Scheme 2023. Collection method: clinical testing. Allele origin: germline.
Comment: The p.D280V variant (also known as c.839A>T), located in coding exon 7 of the BUB1B gene, results from an A to T substitution at nucleotide position 839. The aspartic acid at codon 280 is replaced by valine, an amino acid with highly dissimilar properties. This amino acid position is conserved. In addition, this alteration is predicted to be tolerated by in silico analysis. Since supporting evidence is limited at this time, the clinical significance of this alteration remains unclear.